The following is an entry in ClinVar:

NM_198904.4(GABRG2):c.206T>C (p.Ile69Thr)

Gene: GABRG2 (gamma-aminobutyric acid type A receptor subunit gamma2; plus strand). Cytogenetic location: 5q34.
Variant type: single nucleotide variant.
Coding change: c.206T>C on transcript NM_198904.4 (MANE Select); coding-DNA position 206, T replaced by C.
Protein change: p.Ile69Thr; replaces isoleucine 69 with threonine.
Molecular consequence: missense variant. On other transcripts: 5 prime UTR variant (3).
Genome position (GRCh38, 1-based): chr5:162,093,926, T>C. VCF-style: chr5-162093926-T-C. GRCh37 (hg19) VCF-style: chr5-161520932-T-C.
Other names: c.206T>C, p.Ile69Thr (NM_000816.3, NM_001375340.1, NM_001375341.1 and 4 more transcripts); c.197T>C, p.Ile66Thr (NM_001375339.1); c.140T>C, p.Ile47Thr (NM_001375345.1, NM_001375346.1); c.119T>C, p.Ile40Thr (NM_001375347.1); c.-153T>C (NM_001375348.1, NM_001375350.1); c.-80T>C (NM_001375349.1); short protein forms I40T, I47T, I66T, I69T.
Identifiers: ClinVar variation 2942714 (VCV002942714.3), dbSNP rs2532553473, ClinGen allele CA362183047.
Genomic context (GRCh38, chr5:162,093,926, plus strand): 5'-ATGCTTCTAACAAAACATGGGTCTTGACTCCAAAAGTTCCTGAGGGTGATGTCACTGTCA[T>C]CTTAAACAACCTGCTGGAAGGATATGACAATAAACTTCGGCCTGATATAGGAGGTTTGTT-3'
Protein context (NP_944494.1, residues 59-79): PKVPEGDVTV[Ile69Thr]LNNLLEGYDN

ClinVar aggregate classification (germline): Uncertain significance (1 of 4 stars; one submission).

Conditions:
EPILEPSY, CHILDHOOD ABSENCE, SUSCEPTIBILITY TO, 2 (ECA2). Identifiers: Orphanet 64280, MedGen C1843244, OMIM 607681.
Febrile seizures, familial, 8 (FEB8). Also called: CONVULSIONS, FAMILIAL FEBRILE, 8. Identifiers: Orphanet 36387, MedGen C1969810, MONDO:0011891, OMIM 607681.

Submission:

Labcorp Genetics (formerly Invitae), Labcorp
Classification: Uncertain significance for Febrile seizures, familial, 8; EPILEPSY, CHILDHOOD ABSENCE, SUSCEPTIBILITY TO, 2. Last evaluated: 2023-01-21. Review status: criteria provided, single submitter. Criteria: Invitae Variant Classification Sherloc (09022015). Collection method: clinical testing. Allele origin: germline.
Comment: In summary, the available evidence is currently insufficient to determine the role of this variant in disease. Therefore, it has been classified as a Variant of Uncertain Significance. Advanced modeling of protein sequence and biophysical properties (such as structural, functional, and spatial information, amino acid conservation, physicochemical variation, residue mobility, and thermodynamic stability) has been performed at Invitae for this missense variant, however the output from this modeling did not meet the statistical confidence thresholds required to predict the impact of this variant on GABRG2 protein function. This variant has not been reported in the literature in individuals affected with GABRG2-related conditions. This variant is not present in population databases (gnomAD no frequency). This sequence change replaces isoleucine, which is neutral and non-polar, with threonine, which is neutral and polar, at codon 69 of the GABRG2 protein (p.Ile69Thr).